The following is an entry in ClinVar:

NM_012254.3(SLC27A5):c.995C>T (p.Thr332Met)

Gene: SLC27A5 (solute carrier family 27 member 5; minus strand). Cytogenetic location: 19q13.43.
Variant type: single nucleotide variant.
Coding change: c.995C>T on transcript NM_012254.3 (MANE Select); coding-DNA position 995, C replaced by T.
Protein change: p.Thr332Met; replaces threonine 332 with methionine.
Molecular consequence: missense variant.
Genome position (GRCh38, 1-based): chr19:58,509,909, G>A on the plus strand (C>T on the coding strand, the complement: SLC27A5 is on the minus strand). VCF-style: chr19-58509909-G-A. GRCh37 (hg19) VCF-style: chr19-59021276-G-A.
Other names: c.743C>T, p.Thr248Met (NM_001321196.2); short protein forms T248M, T332M.
Identifiers: ClinVar variation 2883437 (VCV002883437.3), dbSNP rs769602489, ClinGen allele CA9718139.

ClinVar aggregate classification (germline): Uncertain significance (1 of 4 stars; one submission).

Allele frequency attached by ClinVar (database versions not stated): ExAC 0.00002; gnomAD 0.00003.

Submission:

Labcorp Genetics (formerly Invitae), Labcorp
Classification: Uncertain significance. Last evaluated: 2024-01-12. Review status: criteria provided, single submitter. Criteria: Invitae Variant Classification Sherloc (09022015). Collection method: clinical testing. Allele origin: germline.
Comment: This sequence change replaces threonine, which is neutral and polar, with methionine, which is neutral and non-polar, at codon 332 of the SLC27A5 protein (p.Thr332Met). This variant is present in population databases (rs769602489, gnomAD 0.03%). This variant has not been reported in the literature in individuals affected with SLC27A5-related conditions. Algorithms developed to predict the effect of missense changes on protein structure and function output the following: SIFT: "Not Available"; PolyPhen-2: "Benign"; Align-GVGD: "Not Available". The methionine amino acid residue is found in multiple mammalian species, which suggests that this missense change does not adversely affect protein function. In summary, the available evidence is currently insufficient to determine the role of this variant in disease. Therefore, it has been classified as a Variant of Uncertain Significance.